The following is an entry in ClinVar:

ClinVar aggregate classification (germline): Likely benign (1 of 4 stars; one submission).

Allele frequency attached by ClinVar (database versions not stated): ExAC 0.00002; TOPMed 0.00004; ESP Exome Variant Server 0.00008.
gnomAD v4.1: 63 of 1,613,774 alleles (0.0039%); highest among the groups gnomAD compares: South Asian, 0.0088%; no homozygotes.

Submission:

CeGaT Center for Human Genetics Tuebingen
Classification: Likely benign. Last evaluated: 2022-05-01. Review status: criteria provided, single submitter. Criteria: CeGaT Center For Human Genetics Tuebingen Variant Classification Criteria Version 2. Collection method: clinical testing. Allele origin: germline. Affected: yes. Observed: 2 variant alleles.
Comment: CHD3: BP4, BP7

NM_001005273.3(CHD3):c.4407C>T (p.Asp1469=)

Gene: CHD3 (chromodomain helicase DNA binding protein 3; plus strand). Cytogenetic location: 17p13.1.
Variant type: single nucleotide variant.
Coding change: c.4407C>T on transcript NM_001005273.3 (MANE Select); coding-DNA position 4407, C replaced by T.
Protein change: p.Asp1469=; no amino-acid change (aspartic acid 1469 retained).
Molecular consequence: synonymous variant.
Genome position (GRCh38, 1-based): chr17:7,906,601, C>T. VCF-style: chr17-7906601-C-T. GRCh37 (hg19) VCF-style: chr17-7809919-C-T.
Other names: c.4584C>T, p.Asp1528= (NM_001005271.3); c.4407C>T, p.Asp1469= (NM_005852.4).
Identifiers: ClinVar variation 2647430 (VCV002647430.24), dbSNP rs200904309, ClinGen allele CA8363363.